The following is an entry in ClinVar:

NM_006950.3(SYN1):c.1056-11del

Gene: SYN1 (synapsin I; minus strand). Cytogenetic location: Xp11.3.
Variant type: Deletion.
Coding change: c.1056-11del on transcript NM_006950.3 (MANE Select); 11 bases into the intron before coding-DNA position 1056, one base deleted (T; older notation c.1056-11delT).
Molecular consequence: intron variant.
Genome position (GRCh38, 1-based): chrX:47,576,244, A deleted on the plus strand (T on the coding strand, the reverse complement: SYN1 is on the minus strand); the first of 3 consecutive A bases (chrX:47,576,244-47,576,246); deleting any one gives the same sequence. VCF-style (leftmost placement, unchanged base first): chrX-47576243-CA-C. GRCh37 (hg19) VCF-style: chrX-47435642-CA-C.
Other names: c.1056-11del (NM_133499.2); c.1056-11delT (NM_133499.2).
Identifiers: ClinVar variation 420203 (VCV000420203.1), dbSNP rs1064794345, ClinGen allele CA16621412.
Genomic context (GRCh38, chrX:47,576,243, plus strand): 5'-ATGTCCAGTCCCCCAAAAATCTCTGAGCACGTGTCCACCCACAGCTTGTATCTGCCAAGA[CA>C]AAGGGTGGGGAAGCCTGTCAGTCTCTCACCTGAGCTGTCGTGCTCCCACCCCCGCTTCCC-3'

ClinVar aggregate classification (germline): Likely benign (1 of 4 stars; one submission).

Submission:

GeneDx
Classification: Likely benign. Last evaluated: 2015-11-20. Review status: criteria provided, single submitter. Criteria: GeneDx Variant Classification (06012015). Collection method: clinical testing. Allele origin: germline. Affected: yes.
Comment: This variant is considered likely benign or benign based on one or more of the following criteria: it is a conservative change, it occurs at a poorly conserved position in the protein, it is predicted to be benign by multiple in silico algorithms, and/or has population frequency not consistent with disease.